The following is an entry in ClinVar:

NM_001282116.2(RFX3):c.998T>G (p.Phe333Cys)

Gene: RFX3 (regulatory factor X3; minus strand). Cytogenetic location: 9p24.2.
Variant type: single nucleotide variant.
Coding change: c.998T>G on transcript NM_001282116.2 (MANE Select); coding-DNA position 998, T replaced by G.
Protein change: p.Phe333Cys; replaces phenylalanine 333 with cysteine.
Molecular consequence: missense variant.
Genome position (GRCh38, 1-based): chr9:3,275,588, A>C on the plus strand (T>G on the coding strand, the complement: RFX3 is on the minus strand). VCF-style: chr9-3275588-A-C. GRCh37 (hg19) VCF-style: chr9-3275588-A-C.
Other names: c.998T>G, p.Phe333Cys (NM_001282117.2, NM_001377999.1, NM_002919.4 and 1 more transcripts); short protein forms F333C.
Identifiers: ClinVar variation 3343760 (VCV003343760.1).

ClinVar aggregate classification (germline): Uncertain significance (1 of 4 stars; one submission).

Submission:

GeneDx
Classification: Uncertain significance. Last evaluated: 2023-05-25. Review status: criteria provided, single submitter. Criteria: GeneDx Variant Classification Process June 2021. Collection method: clinical testing. Allele origin: germline. Affected: yes.
Comment: Not observed at significant frequency in large population cohorts (gnomAD); In silico analysis supports that this missense variant has a deleterious effect on protein structure/function; Has not been previously published as pathogenic or benign to our knowledge